The following is an entry in ClinVar:

NM_005089.4(ZRSR2):c.1279AGGGACCGCAGC[1] (p.428DRSR[1])

Gene: ZRSR2 (zinc finger CCCH-type, RNA binding motif and serine/arginine rich 2; plus strand). Cytogenetic location: Xp22.2.
Variant type: Microsatellite.
Coding change: c.1279AGGGACCGCAGC[1] on transcript NM_005089.4 (MANE Select); one copy of the 12-base unit AGGGACCGCAGC starting at c.1279; the reference has two copies in a row; one copy, 12 bases deleted.
Protein change: p.428DRSR[1].
Molecular consequence: inframe deletion.
Genome position (GRCh38, 1-based): chrX:15,823,084-15,823,095, AGGGACCGCAGC deleted; deleting any 12 consecutive bases within chrX:15,823,072-15,823,095 gives the same sequence; the position shown is the placement nearest the transcript's 3' end. VCF-style (leftmost placement, unchanged base first): chrX-15823071-TAGGGACCGCAGC-T. GRCh37 (hg19) VCF-style: chrX-15841194-TAGGGACCGCAGC-T.
Identifiers: ClinVar variation 3388918 (VCV003388918.14).
Genomic context (GRCh38, chrX:15,823,071, plus strand): 5'-ATCTCACAAACGCACATCAAAGAGTCGGGAGAGGCACAATTCACGAAGCAGAGGAAGAAA[TAGGGACCGCAGC>T]AGGGACCGCAGCCGGGGCCGGGGCAGCCGGAGCCGGAGCCGGAGCCGGAGCCGCAGGAGC-3'

ClinVar aggregate classification (germline): Likely benign (1 of 4 stars; one submission).

Submission:

CeGaT Center for Human Genetics Tuebingen
Classification: Likely benign. Last evaluated: 2024-09-01. Review status: criteria provided, single submitter. Criteria: CeGaT Center For Human Genetics Tuebingen Variant Classification Criteria Version 2. Collection method: clinical testing. Allele origin: germline. Affected: yes. Observed: 1 variant allele.
Comment: ZRSR2: PM4, BS2